The following is an entry in ClinVar:

ClinVar aggregate classification (germline): Pathogenic. Review status: criteria provided, multiple submitters, no conflicts (2 of 4 stars). 2 submissions from 2 submitters: Pathogenic (2). Last evaluated 2022-05-17.

Conditions:
Microcephalic osteodysplastic primordial dwarfism type II (MOPD2). Also called: Microcephalic osteodysplastic primordial dwarfism with tooth abnormalities; MOPD II; OSTEODYSPLASTIC PRIMORDIAL DWARFISM, TYPE II. Identifiers: Orphanet 2637, MedGen C0432246, MONDO:0008872, OMIM 210720.

Submissions (2):

Institute of Medical Genetics, University of Zurich
Classification: Pathogenic for Microcephalic osteodysplastic primordial dwarfism type II. Last evaluated: 2022-05-17. Review status: criteria provided, single submitter. Criteria: ACMG Guidelines, 2015. Collection method: clinical testing. Allele origin: biparental. Affected: yes.

Center of Genomic medicine, Geneva, University Hospital of Geneva
Classification: Pathogenic for Microcephalic osteodysplastic primordial dwarfism type II. Last evaluated: 2017-03-21. Review status: criteria provided, single submitter. Criteria: ACMG Guidelines, 2015. Collection method: clinical testing. Allele origin: inherited. Affected: yes.

NM_006031.6(PCNT):c.7804G>T (p.Glu2602Ter)

Gene: PCNT (pericentrin; plus strand). Cytogenetic location: 21q22.3.
Variant type: single nucleotide variant.
Coding change: c.7804G>T on transcript NM_006031.6 (MANE Select); coding-DNA position 7804, G replaced by T.
Protein change: p.Glu2602Ter; replaces glutamic acid 2602 with a stop codon.
Molecular consequence: nonsense.
Genome position (GRCh38, 1-based): chr21:46,430,123, G>T. VCF-style: chr21-46430123-G-T. GRCh37 (hg19) VCF-style: chr21-47850037-G-T.
Other names: c.7450G>T, p.Glu2484Ter (NM_001315529.2); short protein forms E2602*, E2484*.
Identifiers: ClinVar variation 437418 (VCV000437418.27), dbSNP rs1555999948, ClinGen allele CA410571793.
Genomic context (GRCh38, chr21:46,430,123, plus strand): 5'-CAGAAGACGCTGAGTGAAGAGCAAGAGAAGGCAAACAGCGTGCAGAAGCTCCTGGCGGCG[G>T]AGCAGACTGTAGTGCGAGATTTGAAGTCCGACCTCTGTGAGAGCAGGCAGAAGAGCGAAC-3'